The following is an entry in ClinVar:

ClinVar aggregate classification (germline): Uncertain significance (1 of 4 stars; one submission).

Conditions:
Hereditary breast ovarian cancer syndrome. Also called: BRCA1- and BRCA2-Associated Hereditary Breast and Ovarian Cancer; Hereditary breast and ovarian cancer; Hereditary breast and ovarian cancer syndrome; Hereditary breast and ovarian cancer syndrome (HBOC); Breast and ovarian cancer; Hereditary breast and/or ovarian cancer syndrome. Identifiers: Orphanet 145, MedGen C0677776, MeSH D061325, MONDO:0003582. Disease mechanism: loss of function.

Submission:

Labcorp Genetics (formerly Invitae), Labcorp
Classification: Uncertain significance for Hereditary breast ovarian cancer syndrome. Last evaluated: 2021-11-05. Review status: criteria provided, single submitter. Criteria: Invitae Variant Classification Sherloc (09022015). Collection method: clinical testing. Allele origin: germline.
Comment: In summary, the available evidence is currently insufficient to determine the role of this variant in disease. Therefore, it has been classified as a Variant of Uncertain Significance. Advanced modeling of protein sequence and biophysical properties (such as structural, functional, and spatial information, amino acid conservation, physicochemical variation, residue mobility, and thermodynamic stability) performed at Invitae indicates that this missense variant is not expected to disrupt BRCA2 protein function. This variant has not been reported in the literature in individuals affected with BRCA2-related conditions. This variant is not present in population databases (gnomAD no frequency). This sequence change replaces glutamine, which is neutral and polar, with histidine, which is basic and polar, at codon 2491 of the BRCA2 protein (p.Gln2491His).

NM_000059.4(BRCA2):c.7473G>C (p.Gln2491His)

Gene: BRCA2 (BRCA2 DNA repair associated; plus strand). Cytogenetic location: 13q13.1.
Variant type: single nucleotide variant.
Coding change: c.7473G>C on transcript NM_000059.4 (MANE Select); coding-DNA position 7473, G replaced by C.
Protein change: p.Gln2491His; replaces glutamine 2491 with histidine.
Molecular consequence: missense variant.
Genome position (GRCh38, 1-based): chr13:32,356,465, G>C. VCF-style: chr13-32356465-G-C. GRCh37 (hg19) VCF-style: chr13-32930602-G-C.
Other names: short protein forms Q2491H.
Identifiers: ClinVar variation 1471408 (VCV001471408.6), dbSNP rs2137562022, ClinGen allele CA387743234.